The following is an entry in ClinVar:

ClinVar aggregate classification (germline): Conflicting classifications of pathogenicity. Review status: criteria provided, conflicting classifications (1 of 4 stars). 4 submissions from 4 submitters: Uncertain significance (2); Likely benign (1). 1 of the submissions does not count toward it. Last evaluated 2025-12-24.

Conditions:
Inflammatory bowel disease 25. Also called: Inflammatory bowel disease 25, early onset, autosomal recessive. Identifiers: Orphanet 238569, MedGen C2675508, MONDO:0012941, OMIM 612567.
IL10RB-related disorder. Also called: IL10RB-related condition.

Allele frequency attached by ClinVar (database versions not stated): ESP Exome Variant Server 0.00092; 1000 Genomes Project 30x 0.00094; TOPMed 0.00104; 1000 Genomes Project 0.00120.
gnomAD v4.1: 267 of 1,613,974 alleles (0.017%); highest among the groups gnomAD compares: African/African-American, 0.29%; 1 homozygote.

Submissions (4):

Labcorp Genetics (formerly Invitae), Labcorp
Classification: Likely benign for Inflammatory bowel disease 25. Last evaluated: 2025-12-24. Review status: criteria provided, single submitter. Criteria: Invitae Variant Classification Sherloc (09022015). Collection method: clinical testing. Allele origin: germline.

GeneDx
Classification: Uncertain significance. Last evaluated: 2023-10-15. Review status: criteria provided, single submitter. Criteria: GeneDx Variant Classification Process June 2021. Collection method: clinical testing. Allele origin: germline. Affected: yes.
Comment: In silico analysis supports that this missense variant does not alter protein structure/function; Has not been previously published as pathogenic or benign to our knowledge

Mayo Clinic Laboratories, Mayo Clinic
Classification: Uncertain significance. Last evaluated: 2022-06-03. Review status: criteria provided, single submitter. Criteria: ACMG Guidelines, 2015. Collection method: clinical testing. Allele origin: germline. Observed: 1 variant allele.
Comment: BP4

PreventionGenetics, part of Exact Sciences
Classification: Likely benign for IL10RB-related condition. Last evaluated: 2024-01-29. Review status: no assertion criteria provided. Collection method: clinical testing. Allele origin: germline. Not counted in ClinVar's aggregate classification.
Comment: This variant is classified as likely benign based on ACMG/AMP sequence variant interpretation guidelines (Richards et al. 2015 PMID: 25741868, with internal and published modifications).

NM_000628.5(IL10RB):c.727G>T (p.Ala243Ser)

Genes: IFNAR2-IL10RB (IFNAR2-IL10RB readthrough; plus strand), IL10RB (interleukin 10 receptor subunit beta; plus strand). Cytogenetic location: 21q22.11.
Variant type: single nucleotide variant.
Coding change: c.727G>T on transcript NM_000628.5 (MANE Select); coding-DNA position 727, G replaced by T.
Protein change: p.Ala243Ser; replaces alanine 243 with serine.
Molecular consequence: missense variant.
Genome position (GRCh38, 1-based): chr21:33,288,184, G>T. VCF-style: chr21-33288184-G-T. GRCh37 (hg19) VCF-style: chr21-34660489-G-T.
Other names: p.Ala243Ser; short protein forms A243S.
Identifiers: ClinVar variation 576700 (VCV000576700.16), dbSNP rs1058861, ClinGen allele CA10006227.